The following is an entry in ClinVar:

ClinVar aggregate classification (germline): Uncertain significance (1 of 4 stars; one submission).

Conditions:
Hereditary cancer-predisposing syndrome. Also called: Tumor predisposition; Neoplastic Syndromes, Hereditary; Hereditary neoplastic syndrome; Hereditary Cancer Syndrome. Identifiers: Orphanet 140162, MedGen C0027672, MeSH D009386, MONDO:0015356.

Submission:

Ambry Genetics
Classification: Uncertain significance for Hereditary cancer-predisposing syndrome. Last evaluated: 2025-08-27. Review status: criteria provided, single submitter. Criteria: Ambry Variant Classification Scheme 2023. Collection method: clinical testing. Allele origin: germline.
Comment: The p.W409R variant (also known as c.1225T>A), located in coding exon 13 of the MUTYH gene, results from a T to A substitution at nucleotide position 1225. The tryptophan at codon 409 is replaced by arginine, an amino acid with dissimilar properties. This amino acid position is conserved. In addition, this alteration is predicted to be tolerated by in silico analysis. Based on the available evidence, the clinical significance of this variant remains unclear.

NM_001048174.2(MUTYH):c.1141T>A (p.Trp381Arg)

Gene: MUTYH (mutY DNA glycosylase; minus strand). Cytogenetic location: 1p34.1.
Variant type: single nucleotide variant.
Coding change: c.1141T>A on transcript NM_001048174.2 (MANE Select); coding-DNA position 1141, T replaced by A.
Protein change: p.Trp381Arg; replaces tryptophan 381 with arginine.
Molecular consequence: missense variant. On other transcripts: non-coding transcript variant (7).
Genome position (GRCh38, 1-based): chr1:45,331,518, A>T on the plus strand (T>A on the coding strand, the complement: MUTYH is on the minus strand). VCF-style: chr1-45331518-A-T. GRCh37 (hg19) VCF-style: chr1-45797190-A-T.
Other names: c.1141T>A, p.Trp381Arg (NM_001048171.2, NM_001048173.2, NM_001407081.1 and 6 more transcripts); c.1144T>A, p.Trp382Arg (NM_001048172.2, NM_001407078.1, NM_001407086.1 and 1 more transcripts); c.1225T>A, p.Trp409Arg (NM_001128425.2); c.1186T>A, p.Trp396Arg (NM_001293190.2); c.1174T>A, p.Trp392Arg (NM_001293191.2, NM_001407077.1, NM_001407069.1); c.865T>A, p.Trp289Arg (NM_001293192.2, NM_001293196.2, NM_001407091.1); c.1102T>A, p.Trp368Arg (NM_001407079.1); c.1099T>A, p.Trp367Arg (NM_001407080.1); and 5 more; short protein forms W367R, W388R, W381R, W392R, W395R, W406R, W266R, W289R.
Identifiers: ClinVar variation 4113094 (VCV004113094.1).
Genomic context (GRCh38, chr1:45,331,518, plus strand): 5'-CAGCCCAACGCTGTAGTTCCTGCAGCAGGGCCTTGCGCTGAAGCTGCTCTGAGGGCTCCC[A>T]GGTCACGGACGGGAACTCCCACAGTCCTGCCAGCAGACCTGAGAGGGAGGGCAGCCAGGC-3'
Protein context (NP_001041639.1, residues 371-391): AGLWEFPSVT[Trp381Arg]EPSEQLQRKA